The following is an entry in ClinVar:

NM_172240.3(POC1B):c.316C>T (p.Arg106Ter)

Genes: POC1B (POC1 centriolar protein B; minus strand), POC1B-DUSP6 (POC1B-DUSP6 readthrough; minus strand). Cytogenetic location: 12q21.33.
Variant type: single nucleotide variant.
Coding change: c.316C>T on transcript NM_172240.3 (MANE Select); coding-DNA position 316, C replaced by T.
Protein change: p.Arg106Ter; replaces arginine 106 with a stop codon.
Molecular consequence: nonsense. On other transcripts: non-coding transcript variant (2).
Genome position (GRCh38, 1-based): chr12:89,492,072, G>A on the plus strand (C>T on the coding strand, the complement: POC1B is on the minus strand). VCF-style: chr12-89492072-G-A. GRCh37 (hg19) VCF-style: chr12-89885849-G-A.
Other names: c.190C>T, p.Arg64Ter (NM_001199777.2); short protein forms R106*, R64*.
Identifiers: ClinVar variation 1452972 (VCV001452972.6), dbSNP rs1190722472, ClinGen allele CA385991902.
Genomic context (GRCh38, chr12:89,492,072, plus strand): 5'-TGGATTTGTCTTCAGAAGCTGTAGCTAGAAACTGGCCATCAGCTGAAAAGTCTACACTTC[G>A]AACTGGAGCTGTATGAGCTTTAAATTCTGAGAATTTTCCTCTCCTGGAAATAAACAGTTT-3'

ClinVar aggregate classification (germline): Pathogenic (1 of 4 stars; one submission).

Allele frequency attached by ClinVar (database versions not stated): gnomAD 0.00001; gnomAD exomes below 0.00001.

Submission:

Labcorp Genetics (formerly Invitae), Labcorp
Classification: Pathogenic. Last evaluated: 2023-08-04. Review status: criteria provided, single submitter. Criteria: Invitae Variant Classification Sherloc (09022015). Collection method: clinical testing. Allele origin: germline.
Comment: For these reasons, this variant has been classified as Pathogenic. ClinVar contains an entry for this variant (Variation ID: 1452972). This variant has not been reported in the literature in individuals affected with POC1B-related conditions. The frequency data for this variant in the population databases is considered unreliable, as metrics indicate poor data quality at this position in the gnomAD database. This sequence change creates a premature translational stop signal (p.Arg106*) in the POC1B gene. It is expected to result in an absent or disrupted protein product. Loss-of-function variants in POC1B are known to be pathogenic (PMID: 25018096, 29220607).

Literature cited by the submitters: PubMed 25018096; PubMed 29220607.